The following is an entry in ClinVar:

NM_002047.4(GARS1):c.2182G>A (p.Gly728Arg)

Gene: GARS1 (glycyl-tRNA synthetase 1; plus strand). Cytogenetic location: 7p14.3.
Variant type: single nucleotide variant.
Coding change: c.2182G>A on transcript NM_002047.4 (MANE Select); coding-DNA position 2182, G replaced by A.
Protein change: p.Gly728Arg; replaces glycine 728 with arginine.
Molecular consequence: missense variant.
Genome position (GRCh38, 1-based): chr7:30,633,822, G>A. VCF-style: chr7-30633822-G-A. GRCh37 (hg19) VCF-style: chr7-30673438-G-A.
Other names: c.2020G>A, p.Gly674Arg (NM_001316772.1); short protein forms G674R, G728R.
Identifiers: ClinVar variation 1680966 (VCV001680966.6), dbSNP rs1422434626, ClinGen allele CA367132158.
Genomic context (GRCh38, chr7:30,633,822, plus strand): 5'-GACCTAGCCAATGGCAACATCACATGGGCTGATGTGGAGGCCAGGTATCCTCTGTTTGAA[G>A]GGCAAGAGACTGGTAAAAAAGAGACAATCGAGGAATGAGGACAATTTTGACAACTTTTGA-3'
Protein context (NP_002038.2, residues 718-738): DVEARYPLFE[Gly728Arg]QETGKKETIE

ClinVar aggregate classification (germline): Uncertain significance (1 of 4 stars; one submission).

Conditions:
Charcot-Marie-Tooth disease type 2. Also called: Charcot-Marie-Tooth type 2. Identifiers: Orphanet 64746, MedGen C0270914, MONDO:0018993.

Allele frequency attached by ClinVar (database versions not stated): gnomAD exomes 0.00001.
gnomAD v4.1: 3 of 1,613,000 alleles (0.00019%); highest among the groups gnomAD compares: Non-Finnish European, 0.00025%; no homozygotes.

Submission:

Labcorp Genetics (formerly Invitae), Labcorp
Classification: Uncertain significance for Charcot-Marie-Tooth disease type 2. Last evaluated: 2021-09-15. Review status: criteria provided, single submitter. Criteria: Invitae Variant Classification Sherloc (09022015). Collection method: clinical testing. Allele origin: germline.
Comment: This sequence change replaces glycine with arginine at codon 728 of the GARS protein (p.Gly728Arg). The glycine residue is moderately conserved and there is a moderate physicochemical difference between glycine and arginine. This variant is not present in population databases (ExAC no frequency). This variant has not been reported in the literature in individuals affected with GARS-related conditions. Algorithms developed to predict the effect of missense changes on protein structure and function are either unavailable or do not agree on the potential impact of this missense change (SIFT: "Deleterious"; PolyPhen-2: "Possibly Damaging"; Align-GVGD: "Class C0"). Algorithms developed to predict the effect of sequence changes on RNA splicing suggest that this variant may create or strengthen a splice site. In summary, the available evidence is currently insufficient to determine the role of this variant in disease. Therefore, it has been classified as a Variant of Uncertain Significance.